The following is an entry in ClinVar:

NM_007373.4(SHOC2):c.*1483G>A

Gene: SHOC2 (SHOC2 leucine rich repeat scaffold protein; plus strand). Cytogenetic location: 10q25.2.
Variant type: single nucleotide variant.
Coding change: c.*1483G>A on transcript NM_007373.4 (MANE Select); 1483 bases downstream of the stop codon, G replaced by A.
Molecular consequence: 3 prime UTR variant. On other transcripts: non-coding transcript variant (1).
Genome position (GRCh38, 1-based): chr10:111,013,301, G>A. VCF-style: chr10-111013301-G-A. GRCh37 (hg19) VCF-style: chr10-112773059-G-A.
Other names: c.*1483G>A (NM_001269039.3, NM_001324336.2, NM_001324337.2).
Identifiers: ClinVar variation 298882 (VCV000298882.29), dbSNP rs180979375, ClinGen allele CA10634682.

ClinVar aggregate classification (germline): Benign. Review status: criteria provided, multiple submitters, no conflicts (2 of 4 stars). 2 submissions from 2 submitters: Benign (2). Last evaluated 2022-11-01.

Conditions:
Noonan syndrome-like disorder with loose anagen hair 1 (NSLH1). Also called: MAZZANTI SYNDROME; TOSTI SYNDROME. Identifiers: Orphanet 2701, MedGen C4478716, MONDO:0054637, OMIM 607721.

Allele frequency attached by ClinVar (database versions not stated): 1000 Genomes Project 0.00040; TOPMed 0.00100; gnomAD 0.00127 and 0.00128.

Submissions (2):

CeGaT Center for Human Genetics Tuebingen
Classification: Benign. Last evaluated: 2022-11-01. Review status: criteria provided, single submitter. Criteria: CeGaT Center For Human Genetics Tuebingen Variant Classification Criteria Version 2. Collection method: clinical testing. Allele origin: germline. Affected: yes. Observed: 2 variant alleles.
Comment: SHOC2: BS1, BS2

Illumina Laboratory Services, Illumina
Classification: Benign for Noonan syndrome-like disorder with loose anagen hair 1. Last evaluated: 2018-01-13. Review status: criteria provided, single submitter. Criteria: ICSL Variant Classification Criteria 13 December 2019. Collection method: clinical testing. Allele origin: germline.
Comment: This variant was observed in the ICSL laboratory as part of a predisposition screen in an ostensibly healthy population. It had not been previously curated by ICSL or reported in the Human Gene Mutation Database (HGMD: prior to June 1st, 2018), and was therefore a candidate for classification through an automated scoring system. Utilizing variant allele frequency, disease prevalence and penetrance estimates, and inheritance mode, an automated score was calculated to assess if this variant is too frequent to cause the disease. Based on the score and internal cut-off values, a variant classified as benign is not then subjected to further curation. The score for this variant resulted in a classification of benign for this disease.